The following is an entry in ClinVar:

ClinVar aggregate classification (germline): Uncertain significance. Review status: criteria provided, multiple submitters, no conflicts (2 of 4 stars). 2 submissions from 2 submitters: Uncertain significance (2). Last evaluated 2024-11-25.

Conditions:
Pigmentary pallidal degeneration (NBIA1). Also called: Neurodegeneration with brain iron accumulation 1; PKAN NEUROAXONAL DYSTROPHY, JUVENILE-ONSET; Pantothenate Kinase-Associated Neurodegeneration; Neuroaxonal dystrophy, late infantile; Hallervorden-Spatz disease; HARP SYNDROME. Identifiers: Orphanet 157850, MedGen C0018523, MONDO:0009319, OMIM 234200.
Inborn genetic diseases. Identifiers: MedGen C0950123, MeSH D030342.

Allele frequency attached by ClinVar (database versions not stated): gnomAD 0.00001.
gnomAD v4.1: 5 of 1,611,298 alleles (0.00031%); highest among the groups gnomAD compares: African/African-American, 0.0053%; no homozygotes.

Submissions (2):

Ambry Genetics
Classification: Uncertain significance for Inborn genetic diseases. Last evaluated: 2024-11-25. Review status: criteria provided, single submitter. Criteria: Ambry Variant Classification Scheme 2023. Collection method: clinical testing. Allele origin: germline.

Labcorp Genetics (formerly Invitae), Labcorp
Classification: Uncertain significance for Pigmentary pallidal degeneration. Last evaluated: 2021-12-19. Review status: criteria provided, single submitter. Criteria: Invitae Variant Classification Sherloc (09022015). Collection method: clinical testing. Allele origin: germline.
Comment: This sequence change replaces proline, which is neutral and non-polar, with serine, which is neutral and polar, at codon 58 of the PANK2 protein (p.Pro58Ser). This variant is not present in population databases (gnomAD no frequency). This variant has not been reported in the literature in individuals affected with PANK2-related conditions. Algorithms developed to predict the effect of missense changes on protein structure and function output the following: SIFT: "Tolerated"; PolyPhen-2: "Benign"; Align-GVGD: "Class C0". The serine amino acid residue is found in multiple mammalian species, which suggests that this missense change does not adversely affect protein function. In summary, the available evidence is currently insufficient to determine the role of this variant in disease. Therefore, it has been classified as a Variant of Uncertain Significance.

NM_153638.4(PANK2):c.172C>T (p.Pro58Ser)

Genes: PANK2 (pantothenate kinase 2; plus strand), LOC130065345 (ATAC-STARR-seq lymphoblastoid silent region 12635; plus strand). Cytogenetic location: 20p13.
Variant type: single nucleotide variant.
Coding change: c.172C>T on transcript NM_153638.4; coding-DNA position 172, C replaced by T.
Protein change: p.Pro58Ser; replaces proline 58 with serine.
Molecular consequence: missense variant. On other transcripts: intron variant (1).
Genome position (GRCh38, 1-based): chr20:3,889,272, C>T. VCF-style: chr20-3889272-C-T. GRCh37 (hg19) VCF-style: chr20-3869919-C-T.
Other names: c.172C>T, p.Pro58Ser (NM_001324192.1); c.-246+368C>T (NM_024960.6); short protein forms P58S.
Identifiers: ClinVar variation 1914513 (VCV001914513.3), dbSNP rs1386340274, ClinGen allele CA408139372.
Genomic context (GRCh38, chr20:3,889,272, plus strand): 5'-ACCACCCTCTCCCCGCCCCGTCACGATAGCCTCTCATTGGACGGAGGCACGGTCAATCCT[C>T]CTCGAGTTAGGGAGCCGACTGGACGCGAGGCCTTTGGGCCGTCCCCAGCCTCGTCGGATT-3'